The following is an entry in ClinVar:

NM_021939.4(FKBP10):c.562G>A (p.Gly188Ser)

Gene: FKBP10 (FKBP prolyl isomerase 10; plus strand). Cytogenetic location: 17q21.2.
Variant type: single nucleotide variant.
Coding change: c.562G>A on transcript NM_021939.4 (MANE Select); coding-DNA position 562, G replaced by A.
Protein change: p.Gly188Ser; replaces glycine 188 with serine.
Molecular consequence: missense variant.
Genome position (GRCh38, 1-based): chr17:41,818,259, G>A. VCF-style: chr17-41818259-G-A. GRCh37 (hg19) VCF-style: chr17-39974511-G-A.
Other names: short protein forms G188S.
Identifiers: ClinVar variation 1904145 (VCV001904145.2), dbSNP rs201861640, ClinGen allele CA8566275.

ClinVar aggregate classification (germline): Uncertain significance (1 of 4 stars; one submission).

Allele frequency attached by ClinVar (database versions not stated): ExAC 0.00002; gnomAD exomes 0.00002; gnomAD 0.00004; TOPMed 0.00004.
gnomAD v4.1: 37 of 1,613,560 alleles (0.0023%); highest among the groups gnomAD compares: African/African-American, 0.004%; no homozygotes.

Submission:

Labcorp Genetics (formerly Invitae), Labcorp
Classification: Uncertain significance. Last evaluated: 2022-02-07. Review status: criteria provided, single submitter. Criteria: Invitae Variant Classification Sherloc (09022015). Collection method: clinical testing. Allele origin: germline.
Comment: This sequence change replaces glycine, which is neutral and non-polar, with serine, which is neutral and polar, at codon 188 of the FKBP10 protein (p.Gly188Ser). This variant is present in population databases (rs201861640, gnomAD 0.01%). This variant has not been reported in the literature in individuals affected with FKBP10-related conditions. Algorithms developed to predict the effect of missense changes on protein structure and function (SIFT, PolyPhen-2, Align-GVGD) all suggest that this variant is likely to be disruptive. Algorithms developed to predict the effect of sequence changes on RNA splicing suggest that this variant may create or strengthen a splice site. In summary, the available evidence is currently insufficient to determine the role of this variant in disease. Therefore, it has been classified as a Variant of Uncertain Significance.